The following is an entry in ClinVar:

ClinVar aggregate classification (germline): Pathogenic (1 of 4 stars; one submission).

Submission:

Labcorp Genetics (formerly Invitae), Labcorp
Classification: Pathogenic. Last evaluated: 2023-08-28. Review status: criteria provided, single submitter. Criteria: Invitae Variant Classification Sherloc (09022015). Collection method: clinical testing. Allele origin: germline.
Comment: For these reasons, this variant has been classified as Pathogenic. This variant has not been reported in the literature in individuals affected with MYO5B-related conditions. This variant is not present in population databases (gnomAD no frequency). This sequence change creates a premature translational stop signal (p.Arg673*) in the MYO5B gene. It is expected to result in an absent or disrupted protein product. Loss-of-function variants in MYO5B are known to be pathogenic (PMID: 18724368, 20186687).

Literature cited by the submitters: PubMed 18724368; PubMed 20186687.

NM_001080467.3(MYO5B):c.2017A>T (p.Arg673Ter)

Gene: MYO5B (myosin VB; minus strand). Cytogenetic location: 18q21.1.
Variant type: single nucleotide variant.
Coding change: c.2017A>T on transcript NM_001080467.3 (MANE Select); coding-DNA position 2017, A replaced by T.
Protein change: p.Arg673Ter; replaces arginine 673 with a stop codon.
Molecular consequence: nonsense.
Genome position (GRCh38, 1-based): chr18:49,929,585, T>A on the plus strand (A>T on the coding strand, the complement: MYO5B is on the minus strand). VCF-style: chr18-49929585-T-A. GRCh37 (hg19) VCF-style: chr18-47455955-T-A.
Other names: short protein forms R673*.
Identifiers: ClinVar variation 2756206 (VCV002756206.3), dbSNP rs1214505775, ClinGen allele CA402442858.